The following is an entry in ClinVar:

NM_001199107.2(TBC1D24):c.1540C>T (p.Gln514Ter)

Gene: TBC1D24 (TBC1 domain family member 24; plus strand). Cytogenetic location: 16p13.3.
Variant type: single nucleotide variant.
Coding change: c.1540C>T on transcript NM_001199107.2 (MANE Select); coding-DNA position 1540, C replaced by T.
Protein change: p.Gln514Ter; replaces glutamine 514 with a stop codon.
Molecular consequence: nonsense.
Genome position (GRCh38, 1-based): chr16:2,500,818, C>T. VCF-style: chr16-2500818-C-T. GRCh37 (hg19) VCF-style: chr16-2550819-C-T.
Other names: c.1522C>T, p.Gln508Ter (NM_020705.3); short protein forms Q514*, Q508*.
Identifiers: ClinVar variation 1397090 (VCV001397090.6), dbSNP rs746057710, ClinGen allele CA394381497.
Genomic context (GRCh38, chr16:2,500,818, plus strand): 5'-GTGCTGATAGGGCAGTCAGGCCGCCACTGACCTGAGCATCCTGCAGGGGGAGGAGGCGGC[C>T]AGGCGCTCTACATCGATGGGGACCTGAACCGGGGCCGCACAAGCCACTGCGACACCTTCA-3'

ClinVar aggregate classification (germline): Pathogenic (1 of 4 stars; one submission).

Conditions:
Developmental and epileptic encephalopathy, 1 (DEE1). Also called: X-linked infantile spasms; West's syndrome; Tonic spasms with clustering, arrest of psychomotor development and hypsarrhythmia on EEG; X-Linked Infantile Spasm Syndrome; OHTAHARA SYNDROME, X-LINKED; INFANTILE SPASM SYNDROME, X-LINKED 1. Identifiers: MedGen C3463992, MONDO:0010632, OMIM 308350. Disease mechanism: loss of function.
Autosomal dominant nonsyndromic hearing loss 65. Also called: TBC1D24-Related Autosomal Dominant Nonsyndromic Hearing Loss (DFNA); Deafness, autosomal dominant 65. Identifiers: Orphanet 90635, MedGen C3892048, MONDO:0014470, OMIM 616044.

gnomAD v4.1: 4 of 1,606,102 alleles (0.00025%); no homozygotes.

Submission:

Labcorp Genetics (formerly Invitae), Labcorp
Classification: Pathogenic for Developmental and epileptic encephalopathy, 1; Autosomal dominant nonsyndromic hearing loss 65. Last evaluated: 2024-11-29. Review status: criteria provided, single submitter. Criteria: Invitae Variant Classification Sherloc (09022015). Collection method: clinical testing. Allele origin: germline.
Comment: This sequence change creates a premature translational stop signal (p.Gln514*) in the TBC1D24 gene. While this is not anticipated to result in nonsense mediated decay, it is expected to disrupt the last 46 amino acid(s) of the TBC1D24 protein. This variant is not present in population databases (gnomAD no frequency). This variant has not been reported in the literature in individuals affected with TBC1D24-related conditions. ClinVar contains an entry for this variant (Variation ID: 1397090). This variant disrupts a region of the TBC1D24 protein in which other variant(s) (p.Cys530Trp) have been determined to be pathogenic (internal data). This suggests that this is a clinically significant region of the protein, and that variants that disrupt it are likely to be disease-causing. For these reasons, this variant has been classified as Pathogenic.